The following is an entry in ClinVar:

NM_001276270.2(MBD4):c.665A>G (p.Asp222Gly)

Gene: MBD4 (methyl-CpG binding domain 4, DNA glycosylase; minus strand). Cytogenetic location: 3q21.3.
Variant type: single nucleotide variant.
Coding change: c.665A>G on transcript NM_001276270.2 (MANE Select); coding-DNA position 665, A replaced by G.
Protein change: p.Asp222Gly; replaces aspartic acid 222 with glycine.
Molecular consequence: missense variant. On other transcripts: intron variant (1).
Genome position (GRCh38, 1-based): chr3:129,436,979, T>C on the plus strand (A>G on the coding strand, the complement: MBD4 is on the minus strand). VCF-style: chr3-129436979-T-C. GRCh37 (hg19) VCF-style: chr3-129155822-T-C.
Other names: c.665A>G, p.Asp222Gly (NM_001276271.2, NM_001276272.2, NM_003925.3); c.247+829A>G (NM_001276273.2); short protein forms D222G.
Identifiers: ClinVar variation 3631513 (VCV003631513.3).

ClinVar aggregate classification (germline): Uncertain significance. Review status: criteria provided, multiple submitters, no conflicts (2 of 4 stars). 2 submissions from 2 submitters: Uncertain significance (2). Last evaluated 2025-11-10.

Conditions:
Inborn genetic diseases. Identifiers: MedGen C0950123, MeSH D030342.

gnomAD v4.1: 3 of 1,614,212 alleles (0.00019%); highest among the groups gnomAD compares: East Asian, 0.0045%; no homozygotes.

Submissions (2):

Labcorp Genetics (formerly Invitae), Labcorp
Classification: Uncertain significance. Last evaluated: 2025-11-10. Review status: criteria provided, single submitter. Criteria: Invitae Variant Classification Sherloc (09022015). Collection method: clinical testing. Allele origin: germline.
Comment: This sequence change replaces aspartic acid, which is acidic and polar, with glycine, which is neutral and non-polar, at codon 222 of the MBD4 protein (p.Asp222Gly). This variant is present in population databases (rs780747376, gnomAD 0.01%). This variant has not been reported in the literature in individuals affected with MBD4-related conditions. ClinVar contains an entry for this variant (Variation ID: 3631513). An algorithm developed to predict the effect of missense changes on protein structure and function outputs the following: PolyPhen-2: "Benign". The glycine amino acid residue is found in multiple mammalian species, which suggests that this missense change does not adversely affect protein function. In summary, the available evidence is currently insufficient to determine the role of this variant in disease. Therefore, it has been classified as a Variant of Uncertain Significance.

Ambry Genetics
Classification: Uncertain significance for Inborn genetic diseases. Last evaluated: 2025-04-28. Review status: criteria provided, single submitter. Criteria: Ambry Variant Classification Scheme 2023. Collection method: clinical testing. Allele origin: germline.
Comment: The p.D222G variant (also known as c.665A>G), located in coding exon 3 of the MBD4 gene, results from an A to G substitution at nucleotide position 665. The aspartic acid at codon 222 is replaced by glycine, an amino acid with similar properties. This amino acid position is conserved. In addition, the in silico prediction for this alteration is inconclusive. Based on the available evidence, the clinical significance of this variant remains unclear.